The following is an entry in ClinVar:

NM_018941.4(CLN8):c.-124+7G>A

Genes: CLN8 (CLN8 transmembrane ER and ERGIC protein; plus strand), CLN8-AS1 (CLN8 antisense RNA 1; minus strand). Cytogenetic location: 8p23.3.
Variant type: single nucleotide variant.
Coding change: c.-124+7G>A on transcript NM_018941.4 (MANE Select); 7 bases into the intron after 124 bases upstream of the start codon, G replaced by A.
Molecular consequence: intron variant.
Genome position (GRCh38, 1-based): chr8:1,763,892, G>A. VCF-style: chr8-1763892-G-A. GRCh37 (hg19) VCF-style: chr8-1712058-G-A.
Identifiers: ClinVar variation 511987 (VCV000511987.1), dbSNP rs1003657407, ClinGen allele CA170443126.

ClinVar aggregate classification (germline): Likely benign (1 of 4 stars; one submission).

Allele frequency attached by ClinVar (database versions not stated): gnomAD 0.00001.

Submission:

GeneDx
Classification: Likely benign. Last evaluated: 2017-09-12. Review status: criteria provided, single submitter. Criteria: GeneDx Variant Classification (06012015). Collection method: clinical testing. Allele origin: germline. Affected: yes.
Comment: This variant is considered likely benign or benign based on one or more of the following criteria: it is a conservative change, it occurs at a poorly conserved position in the protein, it is predicted to be benign by multiple in silico algorithms, and/or has population frequency not consistent with disease.